The following is an entry in ClinVar:

ClinVar aggregate classification (germline): Likely benign. Review status: criteria provided, multiple submitters, no conflicts (2 of 4 stars). 2 submissions from 2 submitters: Likely benign (2). Last evaluated 2025-11-04.

Allele frequency attached by ClinVar (database versions not stated): ExAC 0.00001; gnomAD 0.00001; gnomAD exomes 0.00001; TOPMed 0.00002.
gnomAD v4.1: 10 of 1,614,082 alleles (0.00062%); highest among the groups gnomAD compares: Middle Eastern, 0.016%; no homozygotes.

Submissions (2):

Labcorp Genetics (formerly Invitae), Labcorp
Classification: Likely benign. Last evaluated: 2025-11-04. Review status: criteria provided, single submitter. Criteria: Invitae Variant Classification Sherloc (09022015). Collection method: clinical testing. Allele origin: germline.

CeGaT Center for Human Genetics Tuebingen
Classification: Likely benign. Last evaluated: 2024-04-01. Review status: criteria provided, single submitter. Criteria: CeGaT Center For Human Genetics Tuebingen Variant Classification Criteria Version 2. Collection method: clinical testing. Allele origin: germline. Affected: yes. Observed: 1 variant allele.
Comment: FBLN5: BP4, BP7

NM_006329.4(FBLN5):c.1305C>T (p.Ser435=)

Gene: FBLN5 (fibulin 5; minus strand). Cytogenetic location: 14q32.12.
Variant type: single nucleotide variant.
Coding change: c.1305C>T on transcript NM_006329.4 (MANE Select); coding-DNA position 1305, C replaced by T.
Protein change: p.Ser435=; no amino-acid change (serine 435 retained).
Molecular consequence: synonymous variant. On other transcripts: 3 prime UTR variant (2).
Genome position (GRCh38, 1-based): chr14:91,870,266, G>A on the plus strand (C>T on the coding strand, the complement: FBLN5 is on the minus strand). VCF-style: chr14-91870266-G-A. GRCh37 (hg19) VCF-style: chr14-92336610-G-A.
Other names: c.1428C>T, p.Ser476= (NM_001384158.1); c.1356C>T, p.Ser452= (NM_001384159.1); c.*89C>T (NM_001384160.1, NM_001384161.1); c.1137C>T, p.Ser379= (NM_001384162.1).
Identifiers: ClinVar variation 1941275 (VCV001941275.25), dbSNP rs771189663, ClinGen allele CA7312570.